The following is an entry in ClinVar:

ClinVar aggregate classification (germline): Uncertain significance. Review status: criteria provided, multiple submitters, no conflicts (2 of 4 stars). 4 submissions from 4 submitters: Uncertain significance (4). Last evaluated 2026-01-19.

Allele frequency attached by ClinVar (database versions not stated): gnomAD exomes 0.00002 and 0.00006; ExAC 0.00003; TOPMed 0.00076; 1000 Genomes Project 0.00120; 1000 Genomes Project 30x 0.00125.
gnomAD v4.1: 96 of 1,613,740 alleles (0.0059%); highest among the groups gnomAD compares: Admixed American, 0.11%; 1 homozygote.

Submissions (4):

Labcorp Genetics (formerly Invitae), Labcorp
Classification: Uncertain significance. Last evaluated: 2026-01-19. Review status: criteria provided, single submitter. Criteria: Invitae Variant Classification Sherloc (09022015). Collection method: clinical testing. Allele origin: germline.
Comment: This sequence change replaces histidine, which is basic and polar, with arginine, which is basic and polar, at codon 117 of the MRPL3 protein (p.His117Arg). This variant is present in population databases (rs193113171, gnomAD 0.03%). This variant has not been reported in the literature in individuals affected with MRPL3-related conditions. ClinVar contains an entry for this variant (Variation ID: 1218202). Invitae Evidence Modeling of protein sequence and biophysical properties (such as structural, functional, and spatial information, amino acid conservation, physicochemical variation, residue mobility, and thermodynamic stability) indicates that this missense variant is not expected to disrupt MRPL3 protein function with a negative predictive value of 80%. In summary, the available evidence is currently insufficient to determine the role of this variant in disease. Therefore, it has been classified as a Variant of Uncertain Significance.

Ambry Genetics
Classification: Uncertain significance. Last evaluated: 2025-08-08. Review status: criteria provided, single submitter. Criteria: Ambry Variant Classification Scheme 2023. Collection method: clinical testing. Allele origin: germline.

GeneDx
Classification: Uncertain significance. Last evaluated: 2020-02-25. Review status: criteria provided, single submitter. Criteria: GeneDx Variant Classification Process June 2021. Collection method: clinical testing. Allele origin: germline. Affected: yes.
Comment: In silico analysis supports that this missense variant has a deleterious effect on protein structure/function; Has not been previously published as pathogenic or benign to our knowledge

Breakthrough Genomics
Classification: Uncertain significance. Review status: criteria provided, single submitter. Criteria: ACMG Guidelines, 2015. Collection method: not provided. Allele origin: germline. Inheritance: Autosomal recessive inheritance. Affected: yes.

NM_007208.4(MRPL3):c.350A>G (p.His117Arg)

Gene: MRPL3 (mitochondrial ribosomal protein L3; minus strand). Cytogenetic location: 3q22.1.
Variant type: single nucleotide variant.
Coding change: c.350A>G on transcript NM_007208.4 (MANE Select); coding-DNA position 350, A replaced by G.
Protein change: p.His117Arg; replaces histidine 117 with arginine.
Molecular consequence: missense variant.
Genome position (GRCh38, 1-based): chr3:131,500,449, T>C on the plus strand (A>G on the coding strand, the complement: MRPL3 is on the minus strand). VCF-style: chr3-131500449-T-C. GRCh37 (hg19) VCF-style: chr3-131219293-T-C.
Other names: short protein forms H117R.
Identifiers: ClinVar variation 1218202 (VCV001218202.10), dbSNP rs193113171, ClinGen allele CA2617167.